The following is an entry in ClinVar:

ClinVar aggregate classification (germline): Uncertain significance (1 of 4 stars; one submission).

Conditions:
Neuropathy, hereditary sensory and autonomic, type 2A (HSAN2A). Also called: MORVAN DISEASE; NEUROPATHY, CONGENITAL SENSORY; NEUROPATHY, HEREDITARY SENSORY RADICULAR, AUTOSOMAL RECESSIVE; NEUROPATHY, HEREDITARY SENSORY, TYPE IIA; NEUROPATHY, PROGRESSIVE SENSORY, OF CHILDREN; ACROOSTEOLYSIS, GIACCAI TYPE. Identifiers: Orphanet 970, MedGen C2752089, MONDO:0024309, OMIM 201300.
Generalized epilepsy with febrile seizures plus, type 7 (GEFSP7). Also called: GEFS+, TYPE 7. Identifiers: Orphanet 36387, MedGen C2751778, MONDO:0013470, OMIM 613863.

Allele frequency attached by ClinVar (database versions not stated): TOPMed below 0.00001; gnomAD 0.00001.

Submission:

Labcorp Genetics (formerly Invitae), Labcorp
Classification: Uncertain significance for Neuropathy, hereditary sensory and autonomic, type 2A; Generalized epilepsy with febrile seizures plus, type 7. Last evaluated: 2024-11-11. Review status: criteria provided, single submitter. Criteria: Invitae Variant Classification Sherloc (09022015). Collection method: clinical testing. Allele origin: germline.
Comment: This sequence change replaces methionine, which is neutral and non-polar, with threonine, which is neutral and polar, at codon 1857 of the SCN9A protein (p.Met1857Thr). This variant is not present in population databases (gnomAD no frequency). This variant has not been reported in the literature in individuals affected with SCN9A-related conditions. ClinVar contains an entry for this variant (Variation ID: 2936095). Invitae Evidence Modeling of protein sequence and biophysical properties (such as structural, functional, and spatial information, amino acid conservation, physicochemical variation, residue mobility, and thermodynamic stability) indicates that this missense variant is not expected to disrupt SCN9A protein function with a negative predictive value of 95%. In summary, the available evidence is currently insufficient to determine the role of this variant in disease. Therefore, it has been classified as a Variant of Uncertain Significance.

NM_001365536.1(SCN9A):c.5603T>C (p.Met1868Thr)

Genes: SCN1A-AS1 (SCN1A and SCN9A antisense RNA 1; plus strand), SCN9A (sodium voltage-gated channel alpha subunit 9; minus strand). Cytogenetic location: 2q24.3.
Variant type: single nucleotide variant.
Coding change: c.5603T>C on transcript NM_001365536.1 (MANE Select); coding-DNA position 5603, T replaced by C.
Protein change: p.Met1868Thr; replaces methionine 1868 with threonine.
Molecular consequence: missense variant.
Genome position (GRCh38, 1-based): chr2:166,199,036, A>G on the plus strand (T>C on the coding strand, the complement: SCN9A is on the minus strand). VCF-style: chr2-166199036-A-G. GRCh37 (hg19) VCF-style: chr2-167055546-A-G.
Other names: c.5570T>C, p.Met1857Thr (NM_002977.4); short protein forms M1868T, M1857T.
Identifiers: ClinVar variation 2936095 (VCV002936095.3), dbSNP rs1293927691, ClinGen allele CA349052047.